The following is an entry in ClinVar:

NM_020435.4(GJC2):c.575del (p.Pro192fs)

Gene: GJC2 (gap junction protein gamma 2; plus strand). Cytogenetic location: 1q42.13.
Variant type: Deletion.
Coding change: c.575del on transcript NM_020435.4 (MANE Select); coding-DNA position 575, one base deleted (C; older notation c.575delC).
Protein change: p.Pro192fs; shifts the reading frame from proline 192.
Molecular consequence: frameshift variant.
Genome position (GRCh38, 1-based): chr1:228,158,333, C deleted; the last of 4 consecutive C bases (chr1:228,158,330-228,158,333); deleting any one gives the same sequence. VCF-style (leftmost placement, unchanged base first): chr1-228158329-AC-A. GRCh37 (hg19) VCF-style: chr1-228346030-AC-A.
Other names: short protein forms P192fs.
Identifiers: ClinVar variation 422568 (VCV000422568.4), dbSNP rs1064795865, ClinGen allele CA16617082.

ClinVar aggregate classification (germline): Likely pathogenic. Review status: criteria provided, multiple submitters, no conflicts (2 of 4 stars). 2 submissions from 2 submitters: Likely pathogenic (2). Last evaluated 2021-04-16.

Conditions:
Leukodystrophy, hypomyelinating, 2. Also called: PELIZAEUS-MERZBACHER-LIKE DISEASE, 1. Identifiers: Orphanet 280270, Orphanet 280282, MedGen C1837355, MONDO:0012125, OMIM 608804.

Submissions (2):

Molecular Diagnostics Lab, Nemours Children's Health, Delaware
Classification: Likely pathogenic for Leukodystrophy, hypomyelinating, 2. Last evaluated: 2021-04-16. Review status: criteria provided, single submitter. Criteria: ACMG Guidelines, 2015. Collection method: clinical testing. Allele origin: unknown. Inheritance: Autosomal recessive inheritance. Affected: yes. Observed: 2 compound heterozygotes.
Comment: This variant (c.575delC, p.Pro192Argfs*18) predicts a frameshift to a premature stop codon. It has been observed at extremely low frequency in population databases (gnomAD), and has not been reported in the literature.

GeneDx
Classification: Likely pathogenic. Last evaluated: 2016-11-03. Review status: criteria provided, single submitter. Criteria: GeneDx Variant Classification (06012015). Collection method: clinical testing. Allele origin: germline. Affected: yes.
Comment: The c.575delC variant in the GJC2 gene has not been reported previously as a pathogenic variant nor as a benign variant, to our knowledge. The c.575delC variant causes a frameshift starting with codon Proline 192, changes this amino acid to an Arginine residue, and creates a premature Stop codon at position 18 of the new reading frame, denoted p.Pro192ArgfsX18. This variant is predicted to cause loss of normal protein function through protein truncation. The c.575delC variant was not observed in approximately 6300 individuals of European and African American ancestry in the NHLBI Exome Sequencing Project, indicating it is not a common benign variant in these populations. We interpret c.575delC as a likely pathogenic variant.